The following is an entry in ClinVar:

NM_000257.4(MYH7):c.4033G>A (p.Glu1345Lys)

Gene: MYH7 (myosin heavy chain 7; minus strand). Cytogenetic location: 14q11.2.
Variant type: single nucleotide variant.
Coding change: c.4033G>A on transcript NM_000257.4 (MANE Select); coding-DNA position 4033, G replaced by A.
Protein change: p.Glu1345Lys; replaces glutamic acid 1345 with lysine.
Molecular consequence: missense variant.
Genome position (GRCh38, 1-based): chr14:23,418,346, C>T on the plus strand (G>A on the coding strand, the complement: MYH7 is on the minus strand). VCF-style: chr14-23418346-C-T. GRCh37 (hg19) VCF-style: chr14-23887555-C-T.
Other names: c.4033G>A, p.Glu1345Lys (NM_001407004.1); short protein forms E1345K.
Identifiers: ClinVar variation 2855352 (VCV002855352.4), dbSNP rs2502256600, ClinGen allele CA389041165.

ClinVar aggregate classification (germline): Uncertain significance. Review status: criteria provided, multiple submitters, no conflicts (2 of 4 stars). 2 submissions from 2 submitters: Uncertain significance (2). Last evaluated 2026-01-09.

Conditions:
Hypertrophic cardiomyopathy. Also called: HYPERTROPHIC MYOCARDIOPATHY. Identifiers: Orphanet 217569, MedGen C0007194, MeSH D002312, MONDO:0005045, HP:0001639.
Cardiovascular phenotype. Identifiers: MedGen CN230736.

Submissions (2):

Labcorp Genetics (formerly Invitae), Labcorp
Classification: Uncertain significance for Hypertrophic cardiomyopathy. Last evaluated: 2026-01-09. Review status: criteria provided, single submitter. Criteria: Invitae Variant Classification Sherloc (09022015). Collection method: clinical testing. Allele origin: germline.
Comment: This sequence change replaces glutamic acid, which is acidic and polar, with lysine, which is basic and polar, at codon 1345 of the MYH7 protein (p.Glu1345Lys). This variant is not present in population databases (gnomAD no frequency). This variant has not been reported in the literature in individuals affected with MYH7-related conditions. ClinVar contains an entry for this variant (Variation ID: 2855352). Invitae Evidence Modeling of protein sequence and biophysical properties (such as structural, functional, and spatial information, amino acid conservation, physicochemical variation, residue mobility, and thermodynamic stability) indicates that this missense variant is expected to disrupt MYH7 protein function with a positive predictive value of 95%. In summary, the available evidence is currently insufficient to determine the role of this variant in disease. Therefore, it has been classified as a Variant of Uncertain Significance.

Ambry Genetics
Classification: Uncertain significance for Cardiovascular phenotype. Last evaluated: 2024-05-02. Review status: criteria provided, single submitter. Criteria: Ambry Variant Classification Scheme 2023. Collection method: clinical testing. Allele origin: germline.
Comment: The p.E1345K variant (also known as c.4033G>A), located in coding exon 28 of the MYH7 gene, results from a G to A substitution at nucleotide position 4033. The glutamic acid at codon 1345 is replaced by lysine, an amino acid with similar properties. This amino acid position is highly conserved in available vertebrate species. In addition, this alteration is predicted to be deleterious by in silico analysis. Based on the available evidence, the clinical significance of this variant remains unclear.